The following is an entry in ClinVar:

ClinVar aggregate classification (germline): Uncertain significance. Review status: criteria provided, multiple submitters, no conflicts (2 of 4 stars). 2 submissions from 2 submitters: Uncertain significance (2). Last evaluated 2025-03-07.

Conditions:
Inborn genetic diseases. Identifiers: MedGen C0950123, MeSH D030342.

gnomAD v4.1: 5 of 1,417,028 alleles (0.00035%); highest among the groups gnomAD compares: Admixed American, 0.0094%; no homozygotes.

Submissions (2):

Ambry Genetics
Classification: Uncertain significance for Inborn genetic diseases. Last evaluated: 2025-03-07. Review status: criteria provided, single submitter. Criteria: Ambry Variant Classification Scheme 2023. Collection method: clinical testing. Allele origin: germline.
Comment: The p.A11S variant (also known as c.31G>T), located in coding exon 1 of the KDM1A gene, results from a G to T substitution at nucleotide position 31. The alanine at codon 11 is replaced by serine, an amino acid with similar properties. This amino acid position is conserved. In addition, this alteration is predicted to be tolerated by in silico analysis. Based on the available evidence, the clinical significance of this variant remains unclear.

Labcorp Genetics (formerly Invitae), Labcorp
Classification: Uncertain significance. Last evaluated: 2022-12-26. Review status: criteria provided, single submitter. Criteria: Invitae Variant Classification Sherloc (09022015). Collection method: clinical testing. Allele origin: germline.
Comment: In summary, the available evidence is currently insufficient to determine the role of this variant in disease. Therefore, it has been classified as a Variant of Uncertain Significance. Algorithms developed to predict the effect of missense changes on protein structure and function are either unavailable or do not agree on the potential impact of this missense change (SIFT: "Deleterious"; PolyPhen-2: "Benign"; Align-GVGD: "Class C0"). This variant has not been reported in the literature in individuals affected with KDM1A-related conditions. This variant is not present in population databases (gnomAD no frequency). This sequence change replaces alanine, which is neutral and non-polar, with serine, which is neutral and polar, at codon 11 of the KDM1A protein (p.Ala11Ser).

NM_001009999.3(KDM1A):c.31G>T (p.Ala11Ser)

Gene: KDM1A (lysine demethylase 1A; plus strand). Cytogenetic location: 1p36.12.
Variant type: single nucleotide variant.
Coding change: c.31G>T on transcript NM_001009999.3 (MANE Select); coding-DNA position 31, G replaced by T.
Protein change: p.Ala11Ser; replaces alanine 11 with serine.
Molecular consequence: missense variant.
Genome position (GRCh38, 1-based): chr1:23,019,627, G>T. VCF-style: chr1-23019627-G-T. GRCh37 (hg19) VCF-style: chr1-23346120-G-T.
Other names: c.31G>T (NM_001009999.2); c.31G>T, p.Ala11Ser (NM_001363654.2, NM_001410762.1, NM_001410763.1 and 1 more transcripts); short protein forms A11S.
Identifiers: ClinVar variation 2783565 (VCV002783565.4), dbSNP rs752226596, ClinGen allele CA338949897.